The following is an entry in ClinVar:

NM_000388.4(CASR):c.463A>G (p.Asn155Asp)

Gene: CASR (calcium sensing receptor; plus strand). Cytogenetic location: 3q21.1.
Variant type: single nucleotide variant.
Coding change: c.463A>G on transcript NM_000388.4 (MANE Select); coding-DNA position 463, A replaced by G.
Protein change: p.Asn155Asp; replaces asparagine 155 with aspartic acid.
Molecular consequence: missense variant.
Genome position (GRCh38, 1-based): chr3:122,257,358, A>G. VCF-style: chr3-122257358-A-G. GRCh37 (hg19) VCF-style: chr3-121976205-A-G.
Other names: c.463A>G, p.Asn155Asp (NM_001178065.2); short protein forms N155D.
Identifiers: ClinVar variation 532587 (VCV000532587.11), dbSNP rs1553766282, ClinGen allele CA354362944.
Genomic context (GRCh38, chr3:122,257,358, plus strand): 5'-ATTCCCTCTACGATTGCTGTGGTGGGAGCAACTGGCTCAGGCGTCTCCACGGCAGTGGCA[A>G]ATCTGCTGGGGCTCTTCTACATTCCCCAGGTACTCAAGCCTTCTCAGGCGGGGCACTGGG-3'
Protein context (NP_000379.3, residues 145-165): TGSGVSTAVA[Asn155Asp]LLGLFYIPQV

ClinVar aggregate classification (germline): Uncertain significance (1 of 4 stars; one submission).

Conditions:
Familial hypocalciuric hypercalcemia (FHH). Also called: Familial benign hypercalcemia. Identifiers: Orphanet 405, MedGen C1809471, MONDO:0018458.
Autosomal dominant hypocalcemia 1 (HYPOC1). Also called: HYPOCALCEMIA, FAMILIAL. Identifiers: MedGen C3715128, MONDO:0011013, OMIM 601198.

Submission:

Labcorp Genetics (formerly Invitae), Labcorp
Classification: Uncertain significance for Familial hypocalciuric hypercalcemia; Autosomal dominant hypocalcemia 1. Last evaluated: 2019-01-14. Review status: criteria provided, single submitter. Criteria: Invitae Variant Classification Sherloc (09022015). Collection method: clinical testing. Allele origin: germline.
Comment: In summary, the available evidence is currently insufficient to determine the role of this variant in disease. Therefore, it has been classified as a Variant of Uncertain Significance. Algorithms developed to predict the effect of missense changes on protein structure and function do not agree on the potential impact of this missense change (SIFT: "Deleterious"; PolyPhen-2: "Benign"; Align-GVGD: "Class C15"). This variant has not been reported in the literature in individuals with CASR-related disease. This variant is not present in population databases (ExAC no frequency). This sequence change replaces asparagine with aspartic acid at codon 155 of the CASR protein (p.Asn155Asp). The asparagine residue is highly conserved and there is a small physicochemical difference between asparagine and aspartic acid.